The following is an entry in ClinVar:

NM_020738.4(KIDINS220):c.3964A>T (p.Thr1322Ser)

Gene: KIDINS220 (kinase D interacting substrate 220; minus strand). Cytogenetic location: 2p25.1.
Variant type: single nucleotide variant.
Coding change: c.3964A>T on transcript NM_020738.4 (MANE Select); coding-DNA position 3964, A replaced by T.
Protein change: p.Thr1322Ser; replaces threonine 1322 with serine.
Molecular consequence: missense variant. On other transcripts: non-coding transcript variant (2).
Genome position (GRCh38, 1-based): chr2:8,733,533, T>A on the plus strand (A>T on the coding strand, the complement: KIDINS220 is on the minus strand). VCF-style: chr2-8733533-T-A. GRCh37 (hg19) VCF-style: chr2-8873663-T-A.
Other names: c.3967A>T, p.Thr1323Ser (NM_001348729.2); c.3910A>T, p.Thr1304Ser (NM_001348731.2); c.3907A>T, p.Thr1303Ser (NM_001348732.2, NM_001348738.2); c.3796A>T, p.Thr1266Ser (NM_001348734.2, NM_001348739.2, NM_001348740.2); c.3793A>T, p.Thr1265Ser (NM_001348735.2, NM_001348741.2, NM_001348742.2 and 1 more transcripts); c.3667A>T, p.Thr1223Ser (NM_001348736.2); short protein forms T1223S, T1265S, T1266S, T1303S, T1304S, T1322S, T1323S.
Identifiers: ClinVar variation 3366098 (VCV003366098.1).

ClinVar aggregate classification (germline): Uncertain significance (1 of 4 stars; one submission).

gnomAD v4.1: 3 of 1,614,090 alleles (0.00019%); highest among the groups gnomAD compares: South Asian, 0.0022%; no homozygotes.

Submission:

GeneDx
Classification: Uncertain significance. Last evaluated: 2023-10-12. Review status: criteria provided, single submitter. Criteria: GeneDx Variant Classification Process June 2021. Collection method: clinical testing. Allele origin: germline. Affected: yes.
Comment: Not observed at significant frequency in large population cohorts (gnomAD); In silico analysis supports that this missense variant does not alter protein structure/function; Has not been previously published as pathogenic or benign to our knowledge